The following is an entry in ClinVar:

ClinVar aggregate classification (germline): Pathogenic (1 of 4 stars; one submission).

Submission:

Labcorp Genetics (formerly Invitae), Labcorp
Classification: Pathogenic. Last evaluated: 2021-08-02. Review status: criteria provided, single submitter. Criteria: Invitae Variant Classification Sherloc (09022015). Collection method: clinical testing. Allele origin: germline.
Comment: For these reasons, this variant has been classified as Pathogenic. This variant is also known as INI1 c.778C>T. This variant has not been reported in the literature in individuals affected with SMARCB1-related conditions. This variant is not present in population databases (ExAC no frequency). This sequence change creates a premature translational stop signal (p.Gln260*) in the SMARCB1 gene. It is expected to result in an absent or disrupted protein product. Loss-of-function variants in SMARCB1 are known to be pathogenic (PMID: 10521299, 21208904).

Literature cited by the submitters: PubMed 10521299; PubMed 21208904.

NM_003073.5(SMARCB1):c.778C>T (p.Gln260Ter)

Gene: SMARCB1 (SWI/SNF related BAF chromatin remodeling complex subunit B1; plus strand). Cytogenetic location: 22q11.23.
Variant type: single nucleotide variant.
Coding change: c.778C>T on transcript NM_003073.5 (MANE Select); coding-DNA position 778, C replaced by T.
Protein change: p.Gln260Ter; replaces glutamine 260 with a stop codon.
Molecular consequence: nonsense.
Genome position (GRCh38, 1-based): chr22:23,816,919, C>T. VCF-style: chr22-23816919-C-T. GRCh37 (hg19) VCF-style: chr22-24159106-C-T.
Other names: c.751C>T, p.Gln251Ter (NM_001007468.3); c.805C>T, p.Gln269Ter (NM_001317946.2); c.832C>T, p.Gln278Ter (NM_001362877.2); short protein forms Q260*, Q251*, Q278*, Q269*.
Identifiers: ClinVar variation 1459852 (VCV001459852.6), dbSNP rs2146010499, ClinGen allele CA410901944.